The following is an entry in ClinVar:

NM_002468.5(MYD88):c.860C>T (p.Thr287Ile)

Gene: MYD88 (MYD88 innate immune signal transduction adaptor; plus strand). Cytogenetic location: 3p22.2.
Variant type: single nucleotide variant.
Coding change: c.860C>T on transcript NM_002468.5 (MANE Select); coding-DNA position 860, C replaced by T.
Protein change: p.Thr287Ile; replaces threonine 287 with isoleucine.
Molecular consequence: missense variant. On other transcripts: 3 prime UTR variant (4).
Genome position (GRCh38, 1-based): chr3:38,141,255, C>T. VCF-style: chr3-38141255-C-T. GRCh37 (hg19) VCF-style: chr3-38182746-C-T.
Other names: c.*103C>T (NM_001172566.2, NM_001172569.3, NM_001365876.1 and 1 more transcripts); c.884C>T, p.Thr295Ile (NM_001172567.2); c.725C>T, p.Thr242Ile (NM_001172568.2); short protein forms T287I, T295I, T242I.
Identifiers: ClinVar variation 537302 (VCV000537302.5), dbSNP rs138284536, ClinGen allele CA2316237.

ClinVar aggregate classification (germline): Uncertain significance (1 of 4 stars; one submission).

Conditions:
Pyogenic bacterial infections due to MyD88 deficiency (IMD68). Also called: PYOGENIC BACTERIAL INFECTIONS, RECURRENT, DUE TO MYD88 DEFICIENCY. Identifiers: Orphanet 183713, MedGen C2677092, MONDO:0012839, OMIM 612260.

Allele frequency attached by ClinVar (database versions not stated): ExAC 0.00002; TOPMed 0.00005; gnomAD exomes 0.00001 and below 0.00001; gnomAD 0.00006 and 0.00005; ESP Exome Variant Server 0.00008.

Submission:

Labcorp Genetics (formerly Invitae), Labcorp
Classification: Uncertain significance for Pyogenic bacterial infections due to MyD88 deficiency. Last evaluated: 2024-10-14. Review status: criteria provided, single submitter. Criteria: Invitae Variant Classification Sherloc (09022015). Collection method: clinical testing. Allele origin: germline.
Comment: This sequence change replaces threonine, which is neutral and polar, with isoleucine, which is neutral and non-polar, at codon 300 of the MYD88 protein (p.Thr300Ile). This variant is present in population databases (rs138284536, gnomAD 0.02%). This variant has not been reported in the literature in individuals affected with MYD88-related conditions. ClinVar contains an entry for this variant (Variation ID: 537302). An algorithm developed to predict the effect of missense changes on protein structure and function outputs the following: PolyPhen-2: "Benign". The isoleucine amino acid residue is found in multiple mammalian species, which suggests that this missense change does not adversely affect protein function. In summary, the available evidence is currently insufficient to determine the role of this variant in disease. Therefore, it has been classified as a Variant of Uncertain Significance.